The following is an entry in ClinVar:

ClinVar aggregate classification (germline): Likely benign. Review status: criteria provided, multiple submitters, no conflicts (2 of 4 stars). 3 submissions from 3 submitters: Likely benign (2). 1 of the submissions does not count toward it. Last evaluated 2026-01-21.

Conditions:
DOCK7-related disorder. Also called: DOCK7-related condition.
Developmental and epileptic encephalopathy, 23 (DEE23). Also called: Epileptic encephalopathy, early infantile, 23. Identifiers: Orphanet 411986, MedGen C4014492, MONDO:0014371, OMIM 615859.

Allele frequency attached by ClinVar (database versions not stated): gnomAD exomes 0.00010; gnomAD 0.00065; TOPMed 0.00067; 1000 Genomes Project 0.00080; 1000 Genomes Project 30x 0.00094; ESP Exome Variant Server 0.00108.
gnomAD v4.1: 251 of 1,613,188 alleles (0.016%); highest among the groups gnomAD compares: African/African-American, 0.24%; no homozygotes.

Submissions (3):

Labcorp Genetics (formerly Invitae), Labcorp
Classification: Likely benign for Developmental and epileptic encephalopathy, 23. Last evaluated: 2026-01-21. Review status: criteria provided, single submitter. Criteria: Invitae Variant Classification Sherloc (09022015). Collection method: clinical testing. Allele origin: germline.

Blueprint Genetics
Classification: Likely benign. Last evaluated: 2024-08-20. Review status: criteria provided, single submitter. Criteria: ACMG Guidelines, 2015. Collection method: clinical testing. Allele origin: germline.

PreventionGenetics, part of Exact Sciences
Classification: Likely benign for DOCK7-related condition. Last evaluated: 2020-02-11. Review status: no assertion criteria provided. Collection method: clinical testing. Allele origin: germline. Not counted in ClinVar's aggregate classification.
Comment: This variant is classified as likely benign based on ACMG/AMP sequence variant interpretation guidelines (Richards et al. 2015 PMID: 25741868, with internal and published modifications).

NM_001367561.1(DOCK7):c.5250G>A (p.Ala1750=)

Gene: DOCK7 (dedicator of cytokinesis 7; minus strand). Cytogenetic location: 1p31.3.
Variant type: single nucleotide variant.
Coding change: c.5250G>A on transcript NM_001367561.1 (MANE Select); coding-DNA position 5250, G replaced by A.
Protein change: p.Ala1750=; no amino-acid change (alanine 1750 retained).
Molecular consequence: synonymous variant.
Genome position (GRCh38, 1-based): chr1:62,492,815, C>T on the plus strand (G>A on the coding strand, the complement: DOCK7 is on the minus strand). VCF-style: chr1-62492815-C-T. GRCh37 (hg19) VCF-style: chr1-62958486-C-T.
Other names: c.5223G>A, p.Ala1741= (NM_001271999.2, NM_001330614.2); c.5130G>A, p.Ala1710= (NM_001272000.2, NM_001272001.2); c.5157G>A, p.Ala1719= (NM_033407.4).
Identifiers: ClinVar variation 475160 (VCV000475160.15), dbSNP rs146098559, ClinGen allele CA885506.